The following is an entry in ClinVar:

ClinVar aggregate classification (germline): Uncertain significance (1 of 4 stars; one submission).

Conditions:
Rhabdoid tumor predisposition syndrome 2 (RTPS2). Identifiers: Orphanet 231108, Orphanet 69077, MedGen C2750074, MONDO:0013224, OMIM 613325.

Submission:

Labcorp Genetics (formerly Invitae), Labcorp
Classification: Uncertain significance for Rhabdoid tumor predisposition syndrome 2. Last evaluated: 2026-01-17. Review status: criteria provided, single submitter. Criteria: Invitae Variant Classification Sherloc (09022015). Collection method: clinical testing. Allele origin: germline.
Comment: This sequence change replaces isoleucine, which is neutral and non-polar, with threonine, which is neutral and polar, at codon 690 of the SMARCA4 protein (p.Ile690Thr). This variant is not present in population databases (gnomAD no frequency). This variant has not been reported in the literature in individuals affected with SMARCA4-related conditions. ClinVar contains an entry for this variant (Variation ID: 2098770). Invitae Evidence Modeling of protein sequence and biophysical properties (such as structural, functional, and spatial information, amino acid conservation, physicochemical variation, residue mobility, and thermodynamic stability) indicates that this missense variant is not expected to disrupt SMARCA4 protein function with a negative predictive value of 95%. In summary, the available evidence is currently insufficient to determine the role of this variant in disease. Therefore, it has been classified as a Variant of Uncertain Significance.

NM_003072.5(SMARCA4):c.2069T>C (p.Ile690Thr)

Gene: SMARCA4 (SWI/SNF related BAF chromatin remodeling complex subunit ATPase 4; plus strand). Cytogenetic location: 19p13.2.
Variant type: single nucleotide variant.
Coding change: c.2069T>C on transcript NM_003072.5 (MANE Select); coding-DNA position 2069, T replaced by C.
Protein change: p.Ile690Thr; replaces isoleucine 690 with threonine.
Molecular consequence: missense variant. On other transcripts: non-coding transcript variant (1).
Genome position (GRCh38, 1-based): chr19:11,007,969, T>C. VCF-style: chr19-11007969-T-C. GRCh37 (hg19) VCF-style: chr19-11118645-T-C.
Other names: c.2069T>C, p.Ile690Thr (NM_001128844.3, NM_001128845.2, NM_001128846.2 and 6 more transcripts); short protein forms I690T.
Identifiers: ClinVar variation 2098770 (VCV002098770.4), dbSNP rs2146192234, ClinGen allele CA404052508.